The following is an entry in ClinVar:

ClinVar aggregate classification (germline): Uncertain significance. Review status: criteria provided, single submitter (1 of 4 stars). 2 submissions from 2 submitters: Uncertain significance (1). 1 of the submissions does not count toward it. Last evaluated 2024-07-03.

Submissions (2):

Women's Health and Genetics/Laboratory Corporation of America, LabCorp
Classification: Uncertain significance. Last evaluated: 2024-07-03. Review status: criteria provided, single submitter. Criteria: LabCorp Variant Classification Summary - May 2015. Collection method: clinical testing. Allele origin: germline.
Comment: Variant summary: F11 c.159C>A (p.His53Gln) results in a non-conservative amino acid change located in the Apple domain (IPR000177) of the encoded protein sequence. Five of five in-silico tools predict a damaging effect of the variant on protein function. The variant was absent in 251460 control chromosomes (gnomAD). The available data on variant occurrences in the general population are insufficient to allow any conclusion about variant significance. c.159C>A has been reported in the literature in the heterozygous state in an individual affected with factor XI deficiency disease (Kim_2012). This report does not provide unequivocal conclusions about association of the variant with Hereditary factor XI deficiency disease. To our knowledge, no experimental evidence demonstrating an impact on protein function has been reported. The following publication has been ascertained in the context of this evaluation (PMID: 21668437). ClinVar contains an entry for this variant (Variation ID: 68185). Based on the evidence outlined above, the variant was classified as uncertain significance.

UniProtKB/Swiss-Prot
No classification provided. Review status: no classification provided. Collection method: not provided. Allele origin: not provided. Not counted in ClinVar's aggregate classification.

Literature cited by the submitters: PubMed 21668437 (cited by Women's Health and Genetics/Laboratory Corporation of America, LabCorp).

NM_000128.4(F11):c.159C>A (p.His53Gln)

Gene: F11 (coagulation factor XI; plus strand). Cytogenetic location: 4q35.2.
Variant type: single nucleotide variant.
Coding change: c.159C>A on transcript NM_000128.4 (MANE Select); coding-DNA position 159, C replaced by A.
Protein change: p.His53Gln; replaces histidine 53 with glutamine.
Molecular consequence: missense variant.
Genome position (GRCh38, 1-based): chr4:186,271,712, C>A. VCF-style: chr4-186271712-C-A. GRCh37 (hg19) VCF-style: chr4-187192866-C-A.
Other names: c.159C>A, p.His53Gln (NM_001354804.2); short protein forms H53Q.
Identifiers: ClinVar variation 68185 (VCV000068185.2), dbSNP rs281875261, ClinGen allele CA219126.